The following is an entry in ClinVar:

ClinVar aggregate classification (germline): Benign/Likely benign. Review status: criteria provided, multiple submitters, no conflicts (2 of 4 stars). 3 submissions from 3 submitters: Benign (1); Likely benign (2). Last evaluated 2025-10-09.

Conditions:
Mitochondrial complex II deficiency, nuclear type 1. Also called: SUCCINATE CoQ REDUCTASE DEFICIENCY. Identifiers: Orphanet 3208, MedGen C5700310, MONDO:0100294, OMIM 252011.
Pheochromocytoma/paraganglioma syndrome 5. Also called: SDHA-Related Hereditary Paraganglioma-Pheochromocytoma Syndrome; Paragangliomas 5. Identifiers: Orphanet 29072, MedGen C3279992, MONDO:0013602, OMIM 614165.
Hereditary cancer-predisposing syndrome. Also called: Neoplastic Syndromes, Hereditary; Hereditary Cancer Syndrome; Tumor predisposition; Hereditary neoplastic syndrome. Identifiers: Orphanet 140162, MedGen C0027672, MeSH D009386, MONDO:0015356.

Allele frequency attached by ClinVar (database versions not stated): gnomAD exomes below 0.00001 and 0.00001; ExAC 0.00001; gnomAD 0.00002; TOPMed 0.00006; ESP Exome Variant Server 0.00008.
gnomAD v4.1: 9 of 1,613,346 alleles (0.00056%); highest among the groups gnomAD compares: Non-Finnish European, 0.00076%; no homozygotes.

Submissions (3):

Labcorp Genetics (formerly Invitae), Labcorp
Classification: Likely benign for Pheochromocytoma/paraganglioma syndrome 5; Mitochondrial complex II deficiency, nuclear type 1. Last evaluated: 2025-10-09. Review status: criteria provided, single submitter. Criteria: Invitae Variant Classification Sherloc (09022015). Collection method: clinical testing. Allele origin: germline.

Myriad Genetics, Inc.
Classification: Benign for Pheochromocytoma/paraganglioma syndrome 5. Last evaluated: 2025-03-03. Review status: criteria provided, single submitter. Criteria: Myriad Autosomal Dominant, Autosomal Recessive and X-Linked Classification Criteria (2023). Collection method: clinical testing. Allele origin: unknown.
Comment: This variant is considered benign. This variant is a silent/synonymous amino acid change and it is not expected to impact splicing.

Ambry Genetics
Classification: Likely benign for Hereditary cancer-predisposing syndrome. Last evaluated: 2020-01-29. Review status: criteria provided, single submitter. Criteria: Ambry Variant Classification Scheme 2023. Collection method: clinical testing. Allele origin: germline.

NM_004168.4(SDHA):c.627G>A (p.Leu209=)

Gene: SDHA (succinate dehydrogenase complex flavoprotein subunit A; plus strand). Cytogenetic location: 5p15.33.
Variant type: single nucleotide variant.
Coding change: c.627G>A on transcript NM_004168.4 (MANE Select); coding-DNA position 627, G replaced by A.
Protein change: p.Leu209=; no amino-acid change (leucine 209 retained).
Molecular consequence: synonymous variant.
Genome position (GRCh38, 1-based): chr5:228,190, G>A. VCF-style: chr5-228190-G-A. GRCh37 (hg19) VCF-style: chr5-228305-G-A.
Other names: c.483G>A, p.Leu161= (NM_001294332.2); c.627G>A, p.Leu209= (NM_001330758.2).
Identifiers: ClinVar variation 417230 (VCV000417230.17), dbSNP rs149821224, ClinGen allele CA3172925.